The following is an entry in ClinVar:

ClinVar aggregate classification (germline): not provided (0 of 4 stars; one submission).

Conditions:
Gestational diabetes mellitus uncontrolled. Identifiers: MedGen C3532257.

Submission:

Institute of Molecular and Cell Biology, University of Tartu
No classification provided. Condition: Gestational diabetes mellitus uncontrolled. Review status: no classification provided. Collection method: case-control. Allele origin: unknown. Affected: yes. Study: Kasak2014.
Comment: The study aimed to determine the contribution of copy number variants in the genetic etiology of normal and complicated pregnancies. The samples represented (i) maternal blood DNA drawn from healthy pregnant women during 1st or 2nd trimester and (ii) maternal and paternal blood DNA drawn at term pregnancy cases representing normal and complicated gestations (severe preeclampsia, PE; gestational diabetes, GD; small-for-gestational age newborn, SGA; large-for-gestational age newborn, LGA). We performed CNV calling based on genome-wide genotyping dataset (Illumina HumanOmniExpress-24-v1 BeadChip) by applying three algorithms, QuantiSNP, GADA (Genome Alteration Detection Algorithm) and CNstream in parallel. The acquired CNV calls were merged with HD-CNV (Hotspot Detector for Copy Number Variants) program and only the CNVs predicted by at least two programs, were considered in subsequent analysis.

Literature cited by the submitters: PubMed 25666259.

NC_000002.12:g.135214523_135473889dup

Genes: ZRANB3 (zinc finger RANBP2-type containing 3; minus strand), LOC129388922 (MPRA-validated peak3875 silencer; plus strand). Cytogenetic location: 2q21.3.
Variant type: Duplication.
Identifiers: ClinVar variation 156804 (VCV000156804.3).